The following is an entry in ClinVar:

ClinVar aggregate classification (germline): Likely benign (1 of 4 stars; one submission).

Allele frequency attached by ClinVar (database versions not stated): gnomAD 0.00001; TOPMed 0.00001.
gnomAD v4.1: 8 of 1,613,242 alleles (0.0005%); highest among the groups gnomAD compares: Middle Eastern, 0.033%; no homozygotes.

Submission:

CeGaT Center for Human Genetics Tuebingen
Classification: Likely benign. Last evaluated: 2022-07-01. Review status: criteria provided, single submitter. Criteria: CeGaT Center For Human Genetics Tuebingen Variant Classification Criteria Version 2. Collection method: clinical testing. Allele origin: germline. Affected: yes. Observed: 1 variant allele.
Comment: CUBN: BP4, BP7

NM_001081.4(CUBN):c.4002C>T (p.Ser1334=)

Gene: CUBN (cubilin; minus strand). Cytogenetic location: 10p13.
Variant type: single nucleotide variant.
Coding change: c.4002C>T on transcript NM_001081.4 (MANE Select); coding-DNA position 4002, C replaced by T.
Protein change: p.Ser1334=; no amino-acid change (serine 1334 retained).
Molecular consequence: synonymous variant.
Genome position (GRCh38, 1-based): chr10:17,041,048, G>A on the plus strand (C>T on the coding strand, the complement: CUBN is on the minus strand). VCF-style: chr10-17041048-G-A. GRCh37 (hg19) VCF-style: chr10-17083047-G-A.
Identifiers: ClinVar variation 2640329 (VCV002640329.24), dbSNP rs780816919, ClinGen allele CA468300915.